The following is an entry in ClinVar:

ClinVar aggregate classification (germline): Uncertain significance (1 of 4 stars; one submission).

Allele frequency attached by ClinVar (database versions not stated): gnomAD exomes below 0.00001.
gnomAD v4.1: 1 of 1,613,844 alleles (0.000062%); highest among the groups gnomAD compares: Non-Finnish European, 0.000085%; no homozygotes.

Submission:

GeneDx
Classification: Uncertain significance. Last evaluated: 2019-09-26. Review status: criteria provided, single submitter. Criteria: GeneDx Variant Classification Process June 2021. Collection method: clinical testing. Allele origin: germline. Affected: yes.
Comment: In silico analysis, which includes protein predictors and evolutionary conservation, supports a deleterious effect; The majority of missense variants in this gene are considered pathogenic (Stenson et al., 2014); Has not been previously published as pathogenic or benign to our knowledge

NM_001614.5(ACTG1):c.718T>C (p.Tyr240His)

Gene: ACTG1 (actin gamma 1; minus strand). Cytogenetic location: 17q25.3.
Variant type: single nucleotide variant.
Coding change: c.718T>C on transcript NM_001614.5 (MANE Select); coding-DNA position 718, T replaced by C.
Protein change: p.Tyr240His; replaces tyrosine 240 with histidine.
Molecular consequence: missense variant. On other transcripts: non-coding transcript variant (1).
Genome position (GRCh38, 1-based): chr17:81,511,272, A>G on the plus strand (T>C on the coding strand, the complement: ACTG1 is on the minus strand). VCF-style: chr17-81511272-A-G. GRCh37 (hg19) VCF-style: chr17-79478298-A-G.
Other names: c.718T>C, p.Tyr240His (NM_001199954.3); short protein forms Y240H.
Identifiers: ClinVar variation 1308836 (VCV001308836.2), dbSNP rs1555666640, ClinGen allele CA401459975.